The following is an entry in ClinVar:

ClinVar aggregate classification (germline): Uncertain significance. Review status: criteria provided, multiple submitters, no conflicts (2 of 4 stars). 2 submissions from 2 submitters: Uncertain significance (2). Last evaluated 2025-04-09.

Conditions:
Dilated cardiomyopathy 1W (CMD1W). Identifiers: Orphanet 154, MedGen C1969639, MONDO:0012667, OMIM 611407.
Cardiovascular phenotype. Identifiers: MedGen CN230736.

Allele frequency attached by ClinVar (database versions not stated): TOPMed below 0.00001.
gnomAD v4.1: 3 of 1,614,210 alleles (0.00019%); highest among the groups gnomAD compares: Non-Finnish European, 0.00025%; no homozygotes.

Submissions (2):

Molecular Diagnostic Laboratory for Inherited Cardiovascular Disease, Montreal Heart Institute
Classification: Uncertain significance for Cardiovascular phenotype. Last evaluated: 2025-04-09. Review status: criteria provided, single submitter. Criteria: ACMG Guidelines, 2015. Collection method: clinical testing. Allele origin: germline. Affected: yes.
Comment: PM2

Labcorp Genetics (formerly Invitae), Labcorp
Classification: Uncertain significance for Dilated cardiomyopathy 1W. Last evaluated: 2024-08-08. Review status: criteria provided, single submitter. Criteria: Invitae Variant Classification Sherloc (09022015). Collection method: clinical testing. Allele origin: germline.
Comment: This sequence change replaces proline, which is neutral and non-polar, with serine, which is neutral and polar, at codon 837 of the VCL protein (p.Pro837Ser). This variant is not present in population databases (gnomAD no frequency). This variant has not been reported in the literature in individuals affected with VCL-related conditions. ClinVar contains an entry for this variant (Variation ID: 2178079). An algorithm developed to predict the effect of missense changes on protein structure and function (PolyPhen-2) suggests that this variant is likely to be disruptive. In summary, the available evidence is currently insufficient to determine the role of this variant in disease. Therefore, it has been classified as a Variant of Uncertain Significance.

NM_014000.3(VCL):c.2509C>T (p.Pro837Ser)

Gene: VCL (vinculin; plus strand). Cytogenetic location: 10q22.2.
Variant type: single nucleotide variant.
Coding change: c.2509C>T on transcript NM_014000.3 (MANE Select); coding-DNA position 2509, C replaced by T.
Protein change: p.Pro837Ser; replaces proline 837 with serine.
Molecular consequence: missense variant.
Genome position (GRCh38, 1-based): chr10:74,107,304, C>T. VCF-style: chr10-74107304-C-T. GRCh37 (hg19) VCF-style: chr10-75867062-C-T.
Other names: c.2509C>T, p.Pro837Ser (NM_003373.4); short protein forms P837S.
Identifiers: ClinVar variation 2178079 (VCV002178079.5), dbSNP rs1313842676, ClinGen allele CA377263729.